The following is an entry in ClinVar:

ClinVar aggregate classification (germline): Uncertain significance (1 of 4 stars; one submission).

Submission:

Labcorp Genetics (formerly Invitae), Labcorp
Classification: Uncertain significance. Last evaluated: 2022-11-22. Review status: criteria provided, single submitter. Criteria: Invitae Variant Classification Sherloc (09022015). Collection method: clinical testing. Allele origin: germline.
Comment: Experimental studies and prediction algorithms are not available or were not evaluated, and the functional significance of this variant is currently unknown. This variant has not been reported in the literature in individuals affected with SFXN4-related conditions. The frequency data for this variant in the population databases is considered unreliable, as metrics indicate poor data quality at this position in the gnomAD database. This sequence change replaces alanine with valine at codon 118 of the SFXN4 protein (p.Ala118Val). The alanine residue is moderately conserved and there is a small physicochemical difference between alanine and valine. In summary, the available evidence is currently insufficient to determine the role of this variant in disease. Therefore, it has been classified as a Variant of Uncertain Significance.

NM_213649.2(SFXN4):c.353_354inv (p.Ala118Val)

Gene: SFXN4 (sideroflexin 4; minus strand). Cytogenetic location: 10q26.11.
Variant type: Inversion.
Coding change: c.353_354inv on transcript NM_213649.2 (MANE Select).
Protein change: p.Ala118Val; replaces alanine 118 with valine.
Molecular consequence: missense variant. On other transcripts: synonymous variant (1), non-coding transcript variant (1).
Genome position: GRCh38 VCF-style: chr10-119159734-TG-CA. GRCh37 (hg19) VCF-style: chr10-120919246-TG-CA.
Other names: c.353_354invCG, p.Ala118= (NM_213650.1); short protein forms A118V.
Identifiers: ClinVar variation 3023509 (VCV003023509.3), ClinGen allele CA2740093559.